The following is an entry in ClinVar:

ClinVar aggregate classification (germline): Benign/Likely benign. Review status: criteria provided, multiple submitters, no conflicts (2 of 4 stars). 2 submissions from 2 submitters: Benign (1); Likely benign (1). Last evaluated 2023-07-07.

Conditions:
Occult macular dystrophy (OCMD). Also called: OMD; OCCULT MACULAR DYSTROPHY, SUSCEPTIBILITY TO. Identifiers: Orphanet 247834, MedGen C3150833, MONDO:0013316, OMIM 613587, HP:0030636.

Allele frequency attached by ClinVar (database versions not stated): gnomAD exomes 0.00012 and 0.00004; ExAC 0.00014; ESP Exome Variant Server 0.00024; gnomAD 0.00005 and 0.00006; TOPMed 0.00010.
gnomAD v4.1: 68 of 1,613,684 alleles (0.0042%); highest among the groups gnomAD compares: East Asian, 0.031%; no homozygotes.

Submissions (2):

Blueprint Genetics
Classification: Likely benign. Last evaluated: 2023-07-07. Review status: criteria provided, single submitter. Criteria: ACMG Guidelines, 2015. Collection method: clinical testing. Allele origin: germline.

Illumina Laboratory Services, Illumina
Classification: Benign for Occult macular dystrophy. Last evaluated: 2018-01-12. Review status: criteria provided, single submitter. Criteria: ICSL Variant Classification Criteria 13 December 2019. Collection method: clinical testing. Allele origin: germline.
Comment: This variant was observed in the ICSL laboratory as part of a predisposition screen in an ostensibly healthy population. It had not been previously curated by ICSL or reported in the Human Gene Mutation Database (HGMD: prior to June 1st, 2018), and was therefore a candidate for classification through an automated scoring system. Utilizing variant allele frequency, disease prevalence and penetrance estimates, and inheritance mode, an automated score was calculated to assess if this variant is too frequent to cause the disease. Based on the score and internal cut-off values, a variant classified as benign is not then subjected to further curation. The score for this variant resulted in a classification of benign for this disease.

NM_178857.6(RP1L1):c.3660C>T (p.Asp1220=)

Gene: RP1L1 (RP1 like 1). Cytogenetic location: 8p23.1.
Variant type: single nucleotide variant.
Coding change: c.3660C>T on transcript NM_178857.6 (MANE Select); coding-DNA position 3660, C replaced by T.
Protein change: p.Asp1220=; no amino-acid change (aspartic acid 1220 retained).
Molecular consequence: synonymous variant.
Genome position (GRCh38, 1-based): chr8:10,610,438, G>A on the plus strand (C>T on the coding strand, the complement: RP1L1 is on the minus strand). VCF-style: chr8-10610438-G-A. GRCh37 (hg19) VCF-style: chr8-10467948-G-A.
Identifiers: ClinVar variation 361306 (VCV000361306.6), dbSNP rs375441998, ClinGen allele CA4624407.